The following is an entry in ClinVar:

ClinVar aggregate classification (germline): Uncertain significance (1 of 4 stars; one submission).

Conditions:
Glycogen storage disease, type IV (GSD4). Also called: Glycogen storage disease due to glycogen branching enzyme deficiency; CIRRHOSIS, FAMILIAL, WITH DEPOSITION OF ABNORMAL GLYCOGEN; GBE1 DEFICIENCY; GLYCOGEN BRANCHING ENZYME DEFICIENCY; GLYCOGENOSIS IV; GSD IV. Identifiers: Orphanet 367, MedGen C0017923, MONDO:0009292, OMIM 232500.
Glycogen storage disease IV, classic hepatic. Also called: GSD IV, CLASSIC HEPATIC. Identifiers: MedGen C1856301.

Allele frequency attached by ClinVar (database versions not stated): TOPMed 0.00001.

Submission:

Labcorp Genetics (formerly Invitae), Labcorp
Classification: Uncertain significance for Glycogen storage disease, type IV; Glycogen storage disease IV, classic hepatic. Last evaluated: 2022-07-03. Review status: criteria provided, single submitter. Criteria: Invitae Variant Classification Sherloc (09022015). Collection method: clinical testing. Allele origin: germline.
Comment: In summary, the available evidence is currently insufficient to determine the role of this variant in disease. Therefore, it has been classified as a Variant of Uncertain Significance. Advanced modeling of protein sequence and biophysical properties (such as structural, functional, and spatial information, amino acid conservation, physicochemical variation, residue mobility, and thermodynamic stability) performed at Invitae indicates that this missense variant is not expected to disrupt GBE1 protein function. This variant has not been reported in the literature in individuals affected with GBE1-related conditions. This variant is not present in population databases (gnomAD no frequency). This sequence change replaces proline, which is neutral and non-polar, with glutamine, which is neutral and polar, at codon 36 of the GBE1 protein (p.Pro36Gln).

NM_000158.4(GBE1):c.107C>A (p.Pro36Gln)

Gene: GBE1 (1,4-alpha-glucan branching enzyme 1; minus strand). Cytogenetic location: 3p12.2.
Variant type: single nucleotide variant.
Coding change: c.107C>A on transcript NM_000158.4 (MANE Select); coding-DNA position 107, C replaced by A.
Protein change: p.Pro36Gln; replaces proline 36 with glutamine.
Molecular consequence: missense variant.
Genome position (GRCh38, 1-based): chr3:81,761,411, G>T on the plus strand (C>A on the coding strand, the complement: GBE1 is on the minus strand). VCF-style: chr3-81761411-G-T. GRCh37 (hg19) VCF-style: chr3-81810562-G-T.
Other names: short protein forms P36Q.
Identifiers: ClinVar variation 2184571 (VCV002184571.2), dbSNP rs763469617, ClinGen allele CA353686917.